The following is an entry in ClinVar:

NM_000213.5(ITGB4):c.2935G>T (p.Val979Leu)

Gene: ITGB4 (integrin subunit beta 4; plus strand). Cytogenetic location: 17q25.1.
Variant type: single nucleotide variant.
Coding change: c.2935G>T on transcript NM_000213.5 (MANE Select); coding-DNA position 2935, G replaced by T.
Protein change: p.Val979Leu; replaces valine 979 with leucine.
Molecular consequence: missense variant.
Genome position (GRCh38, 1-based): chr17:75,742,734, G>T. VCF-style: chr17-75742734-G-T. GRCh37 (hg19) VCF-style: chr17-73738815-G-T.
Other names: c.2935G>T, p.Val979Leu (NM_001005619.2, NM_001005731.3, NM_001321123.2 and 1 more transcripts); short protein forms V979L.
Identifiers: ClinVar variation 4088201 (VCV004088201.1).

ClinVar aggregate classification (germline): Uncertain significance (1 of 4 stars; one submission).

Submission:

GeneDx
Classification: Uncertain significance. Last evaluated: 2025-03-27. Review status: criteria provided, single submitter. Criteria: GeneDx Variant Classification Process June 2021. Collection method: clinical testing. Allele origin: germline. Affected: yes.
Comment: Not observed at significant frequency in large population cohorts (gnomAD); In silico analysis indicates that this missense variant does not alter protein structure/function; Has not been previously published as pathogenic or benign to our knowledge